The following is an entry in ClinVar:

NM_144997.7(FLCN):c.1070G>A (p.Gly357Asp)

Gene: FLCN (folliculin; minus strand). Cytogenetic location: 17p11.2.
Variant type: single nucleotide variant.
Coding change: c.1070G>A on transcript NM_144997.7 (MANE Select); coding-DNA position 1070, G replaced by A.
Protein change: p.Gly357Asp; replaces glycine 357 with aspartic acid.
Molecular consequence: missense variant.
Genome position (GRCh38, 1-based): chr17:17,217,175, C>T on the plus strand (G>A on the coding strand, the complement: FLCN is on the minus strand). VCF-style: chr17-17217175-C-T. GRCh37 (hg19) VCF-style: chr17-17120489-C-T.
Other names: c.1124G>A, p.Gly375Asp (NM_001353229.2); c.1070G>A, p.Gly357Asp (NM_001353230.2, NM_001353231.2); short protein forms G375D, G357D.
Identifiers: ClinVar variation 4773463 (VCV004773463.2).

ClinVar aggregate classification (germline): Uncertain significance. Review status: criteria provided, multiple submitters, no conflicts (2 of 4 stars). 2 submissions from 2 submitters: Uncertain significance (2). Last evaluated 2026-07-02.

Conditions:
Birt-Hogg-Dube syndrome. Also called: Birt Hogg Dubé syndrome. Identifiers: Orphanet 122, MedGen C0346010, MONDO:0800444.
Hereditary cancer-predisposing syndrome. Also called: Hereditary Cancer Syndrome; Hereditary neoplastic syndrome; Neoplastic Syndromes, Hereditary; Tumor predisposition. Identifiers: Orphanet 140162, MedGen C0027672, MeSH D009386, MONDO:0015356.

gnomAD v4.1: 1 of 1,612,182 alleles (0.000062%); highest among the groups gnomAD compares: Non-Finnish European, 0.000085%; no homozygotes.

Submissions (2):

Ambry Genetics
Classification: Uncertain significance for Hereditary cancer-predisposing syndrome. Last evaluated: 2026-07-02. Review status: criteria provided, single submitter. Criteria: Ambry Variant Classification Scheme 2023. Collection method: clinical testing. Allele origin: germline.
Comment: The p.G357D variant (also known as c.1070G>A), located in coding exon 7 of the FLCN gene, results from a G to A substitution at nucleotide position 1070. The glycine at codon 357 is replaced by aspartic acid, an amino acid with similar properties. This amino acid position is conserved. In addition, this alteration is predicted to be deleterious by in silico analysis. Based on the available evidence, the clinical significance of this variant remains unclear.

Labcorp Genetics (formerly Invitae), Labcorp
Classification: Uncertain significance for Birt-Hogg-Dube syndrome. Last evaluated: 2025-02-26. Review status: criteria provided, single submitter. Criteria: Invitae Variant Classification Sherloc (09022015). Collection method: clinical testing. Allele origin: germline.
Comment: This sequence change replaces glycine, which is neutral and non-polar, with aspartic acid, which is acidic and polar, at codon 357 of the FLCN protein (p.Gly357Asp). This variant is not present in population databases (gnomAD no frequency). This variant has not been reported in the literature in individuals affected with FLCN-related conditions. Invitae Evidence Modeling of protein sequence and biophysical properties (such as structural, functional, and spatial information, amino acid conservation, physicochemical variation, residue mobility, and thermodynamic stability) indicates that this missense variant is not expected to disrupt FLCN protein function with a negative predictive value of 80%. In summary, the available evidence is currently insufficient to determine the role of this variant in disease. Therefore, it has been classified as a Variant of Uncertain Significance.